The following is an entry in ClinVar:

NM_001903.5(CTNNA1):c.1894A>G (p.Ile632Val)

Gene: CTNNA1 (catenin alpha 1; plus strand). Cytogenetic location: 5q31.2.
Variant type: single nucleotide variant.
Coding change: c.1894A>G on transcript NM_001903.5 (MANE Select); coding-DNA position 1894, A replaced by G.
Protein change: p.Ile632Val; replaces isoleucine 632 with valine.
Molecular consequence: missense variant.
Genome position (GRCh38, 1-based): chr5:138,925,402, A>G. VCF-style: chr5-138925402-A-G. GRCh37 (hg19) VCF-style: chr5-138261091-A-G.
Other names: c.1525A>G, p.Ile509Val (NM_001290310.3); c.784A>G, p.Ile262Val (NM_001290312.1, NM_001323987.1, NM_001323988.1 and 17 more transcripts); c.1894A>G, p.Ile632Val (NM_001323982.2, NM_001323983.1, NM_001323984.2 and 2 more transcripts); c.1801A>G, p.Ile601Val (NM_001323986.2); c.445A>G, p.Ile149Val (NM_001324006.1, NM_001324007.1, NM_001324008.1 and 2 more transcripts); c.1585A>G, p.Ile529Val (NM_001290309.3); c.691A>G, p.Ile231Val (NM_001324011.1); c.541A>G, p.Ile181Val (NM_001324012.1, NM_001324013.1); short protein forms I181V, I262V, I601V, I632V, I149V, I231V, I509V, I529V.
Identifiers: ClinVar variation 4764555 (VCV004764555.1).

ClinVar aggregate classification (germline): Uncertain significance (1 of 4 stars; one submission).

Submission:

Labcorp Genetics (formerly Invitae), Labcorp
Classification: Uncertain significance. Last evaluated: 2025-11-25. Review status: criteria provided, single submitter. Criteria: Invitae Variant Classification Sherloc (09022015). Collection method: clinical testing. Allele origin: germline.
Comment: This sequence change replaces isoleucine, which is neutral and non-polar, with valine, which is neutral and non-polar, at codon 632 of the CTNNA1 protein (p.Ile632Val). This variant is not present in population databases (gnomAD no frequency). This variant has not been reported in the literature in individuals affected with CTNNA1-related conditions. Invitae Evidence Modeling of protein sequence and biophysical properties (such as structural, functional, and spatial information, amino acid conservation, physicochemical variation, residue mobility, and thermodynamic stability) indicates that this missense variant is not expected to disrupt CTNNA1 protein function with a negative predictive value of 80%. Algorithms developed to predict the effect of sequence changes on RNA splicing suggest that this variant may create or strengthen a splice site. In summary, the available evidence is currently insufficient to determine the role of this variant in disease. Therefore, it has been classified as a Variant of Uncertain Significance.